The following is an entry in ClinVar:

NM_000432.4(MYL2):c.303C>T (p.Asn101=)

Gene: MYL2 (myosin light chain 2; minus strand). Cytogenetic location: 12q24.11.
Variant type: single nucleotide variant.
Coding change: c.303C>T on transcript NM_000432.4 (MANE Select); coding-DNA position 303, C replaced by T.
Protein change: p.Asn101=; no amino-acid change (asparagine 101 retained).
Molecular consequence: synonymous variant.
Genome position (GRCh38, 1-based): chr12:110,913,296, G>A on the plus strand (C>T on the coding strand, the complement: MYL2 is on the minus strand). VCF-style: chr12-110913296-G-A. GRCh37 (hg19) VCF-style: chr12-111351100-G-A.
Identifiers: ClinVar variation 920497 (VCV000920497.14), dbSNP rs1317472220, ClinGen allele CA481750906.
Genomic context (GRCh38, chr12:110,913,296, plus strand): 5'-CCCCACTCACTAATCAGCCTTCAGCACCCCTTTGCCTTCAGGGTCAAACACTTTGAATGC[G>A]TTGAGAATGGTTTCCTCAGGGTCCGCTCCTGAAACGGAACACAGGGCTTACATGTACTGG-3'
Protein context (NP_000423.2, residues 91-111): KGADPEETIL[Asn101=]AFKVFDPEGK

ClinVar aggregate classification (germline): Likely benign. Review status: criteria provided, multiple submitters, no conflicts (2 of 4 stars). 4 submissions from 4 submitters: Likely benign (4). Last evaluated 2025-04-27.

Conditions:
Hypertrophic cardiomyopathy. Also called: HYPERTROPHIC MYOCARDIOPATHY. Identifiers: Orphanet 217569, MedGen C0007194, MeSH D002312, MONDO:0005045, HP:0001639.
Cardiomyopathy (CMYO). Also called: Cardiomyopathies. Identifiers: Orphanet 167848, MedGen C0878544, MONDO:0004994, HP:0001638. Inheritance: Various modes of inheritance.
Hypertrophic cardiomyopathy 10. Also called: MYL2-Related Familial Hypertrophic Cardiomyopathy; CARDIOMYOPATHY, HYPERTROPHIC, MID-LEFT VENTRICULAR CHAMBER TYPE, 2. Identifiers: MedGen C1834460, MONDO:0012112, OMIM 608758.
Cardiovascular phenotype. Identifiers: MedGen CN230736.

Allele frequency attached by ClinVar (database versions not stated): gnomAD exomes below 0.00001 and 0.00001; gnomAD 0.00001; TOPMed 0.00001.
gnomAD v4.1: 10 of 1,614,054 alleles (0.00062%); highest among the groups gnomAD compares: South Asian, 0.0022%; no homozygotes.

Submissions (4):

Labcorp Genetics (formerly Invitae), Labcorp
Classification: Likely benign for Hypertrophic cardiomyopathy 10. Last evaluated: 2025-04-27. Review status: criteria provided, single submitter. Criteria: Invitae Variant Classification Sherloc (09022015). Collection method: clinical testing. Allele origin: germline.

All of Us Research Program, National Institutes of Health
Classification: Likely benign for Hypertrophic cardiomyopathy. Last evaluated: 2023-10-06. Review status: criteria provided, single submitter. Criteria: ACMG Guidelines, 2015. Collection method: clinical testing. Allele origin: germline. Inheritance: Autosomal dominant inheritance. Observed: 2 variant alleles, 2 heterozygotes.
Comment: This study involves interpretation of variants in research participants for the purpose of population health screening. Participant phenotype was not available at the time of variant classification. Additional details can be found in publication PMID: 35346344, PMCID: PMC8962531

Color Diagnostics, LLC DBA Color Health
Classification: Likely benign for Cardiomyopathy. Last evaluated: 2019-12-29. Review status: criteria provided, single submitter. Criteria: ACMG Guidelines, 2015. Collection method: clinical testing. Allele origin: germline.

Ambry Genetics
Classification: Likely benign for Cardiovascular phenotype. Last evaluated: 2019-01-11. Review status: criteria provided, single submitter. Criteria: Ambry Variant Classification Scheme 2023. Collection method: clinical testing. Allele origin: germline.